The following is an entry in ClinVar:

ClinVar aggregate classification (germline): Uncertain significance (1 of 4 stars; one submission).

Conditions:
Early-infantile DEE. Also called: Ohtahara syndrome; Early infantile epileptic encephalopathy; Early infantile epileptic encephalopathy with suppression bursts. Identifiers: Orphanet 1934, MedGen C0393706, MONDO:0800491.

Allele frequency attached by ClinVar (database versions not stated): gnomAD exomes below 0.00001; TOPMed 0.00001.
gnomAD v4.1: 4 of 1,605,808 alleles (0.00025%); highest among the groups gnomAD compares: Non-Finnish European, 0.00034%; no homozygotes.

Submission:

Labcorp Genetics (formerly Invitae), Labcorp
Classification: Uncertain significance for Early-infantile DEE. Last evaluated: 2020-07-21. Review status: criteria provided, single submitter. Criteria: Invitae Variant Classification Sherloc (09022015). Collection method: clinical testing. Allele origin: germline.
Comment: This sequence change replaces aspartic acid with asparagine at codon 991 of the SCN8A protein (p.Asp991Asn). The aspartic acid residue is highly conserved and there is a small physicochemical difference between aspartic acid and asparagine. This variant is not present in population databases (ExAC no frequency). This variant has not been reported in the literature in individuals with SCN8A-related conditions. Algorithms developed to predict the effect of missense changes on protein structure and function are either unavailable or do not agree on the potential impact of this missense change (SIFT: "Deleterious"; PolyPhen-2: "Probably Damaging"; Align-GVGD: "Class C0"). In summary, the available evidence is currently insufficient to determine the role of this variant in disease. Therefore, it has been classified as a Variant of Uncertain Significance.

NM_001330260.2(SCN8A):c.2971G>A (p.Asp991Asn)

Gene: SCN8A (sodium voltage-gated channel alpha subunit 8; plus strand). Cytogenetic location: 12q13.13.
Variant type: single nucleotide variant.
Coding change: c.2971G>A on transcript NM_001330260.2 (MANE Select); coding-DNA position 2971, G replaced by A.
Protein change: p.Asp991Asn; replaces aspartic acid 991 with asparagine.
Molecular consequence: missense variant.
Genome position (GRCh38, 1-based): chr12:51,768,934, G>A. VCF-style: chr12-51768934-G-A. GRCh37 (hg19) VCF-style: chr12-52162718-G-A.
Other names: c.2971G>A, p.Asp991Asn (NM_001177984.3, NM_001369788.1, NM_014191.4); short protein forms D991N.
Identifiers: ClinVar variation 1023685 (VCV001023685.9), dbSNP rs80261247, ClinGen allele CA236318491.